The following is an entry in ClinVar:

NM_001127453.2(GSDME):c.696C>G (p.Phe232Leu)

Gene: GSDME (gasdermin E; minus strand). Cytogenetic location: 7p15.3.
Variant type: single nucleotide variant.
Coding change: c.696C>G on transcript NM_001127453.2 (MANE Select); coding-DNA position 696, C replaced by G.
Protein change: p.Phe232Leu; replaces phenylalanine 232 with leucine.
Molecular consequence: missense variant.
Genome position (GRCh38, 1-based): chr7:24,717,255, G>C on the plus strand (C>G on the coding strand, the complement: GSDME is on the minus strand). VCF-style: chr7-24717255-G-C. GRCh37 (hg19) VCF-style: chr7-24756874-G-C.
Other names: c.204C>G, p.Phe68Leu (NM_001127454.2); c.696C>G, p.Phe232Leu (NM_004403.3); short protein forms F232L, F68L.
Identifiers: ClinVar variation 3893432 (VCV003893432.2).

ClinVar aggregate classification (germline): Uncertain significance. Review status: criteria provided, multiple submitters, no conflicts (2 of 4 stars). 2 submissions from 2 submitters: Uncertain significance (2). Last evaluated 2024-10-24.

gnomAD v4.1: 11 of 1,553,838 alleles (0.00071%); highest among the groups gnomAD compares: African/African-American, 0.013%; no homozygotes.

Submissions (2):

GeneDx
Classification: Uncertain significance. Last evaluated: 2024-10-24. Review status: criteria provided, single submitter. Criteria: GeneDx Variant Classification Process June 2021. Collection method: clinical testing. Allele origin: germline. Affected: yes.
Comment: In silico analysis supports that this missense variant has a deleterious effect on protein structure/function; Has not been previously published as pathogenic or benign to our knowledge

Blueprint Genetics
Classification: Uncertain significance. Last evaluated: 2019-03-12. Review status: criteria provided, single submitter. Criteria: ACMG Guidelines, 2015. Collection method: clinical testing. Allele origin: germline.